The following is an entry in ClinVar:

NM_001903.5(CTNNA1):c.2679G>A (p.Pro893=)

Gene: CTNNA1 (catenin alpha 1; plus strand). Cytogenetic location: 5q31.2.
Variant type: single nucleotide variant.
Coding change: c.2679G>A on transcript NM_001903.5 (MANE Select); coding-DNA position 2679, G replaced by A.
Protein change: p.Pro893=; no amino-acid change (proline 893 retained).
Molecular consequence: synonymous variant. On other transcripts: 3 prime UTR variant (5).
Genome position (GRCh38, 1-based): chr5:138,934,047, G>A. VCF-style: chr5-138934047-G-A. GRCh37 (hg19) VCF-style: chr5-138269736-G-A.
Other names: c.1569G>A, p.Pro523= (NM_001323987.1, NM_001323988.1, NM_001323989.1 and 12 more transcripts); c.1230G>A, p.Pro410= (NM_001324007.1, NM_001324008.1, NM_001324009.1 and 2 more transcripts); c.1434G>A, p.Pro478= (NM_001324001.1); c.*224G>A (NM_001324002.1, NM_001324003.1, NM_001324004.1 and 2 more transcripts); c.1476G>A, p.Pro492= (NM_001324011.1); c.1326G>A, p.Pro442= (NM_001324012.1, NM_001324013.1); c.2370G>A, p.Pro790= (NM_001290309.3); c.2310G>A, p.Pro770= (NM_001290310.3); and 3 more.
Identifiers: ClinVar variation 772928 (VCV000772928.14), dbSNP rs1059181, ClinGen allele CA3432280.

ClinVar aggregate classification (germline): Benign/Likely benign. Review status: criteria provided, multiple submitters, no conflicts (2 of 4 stars). 3 submissions from 3 submitters: Benign (1); Likely benign (2). Last evaluated 2025-11-04.

Conditions:
Hereditary cancer-predisposing syndrome. Also called: Neoplastic Syndromes, Hereditary; Hereditary neoplastic syndrome; Tumor predisposition; Hereditary Cancer Syndrome. Identifiers: Orphanet 140162, MedGen C0027672, MeSH D009386, MONDO:0015356.
Hereditary diffuse gastric adenocarcinoma (HDGC). Also called: DIFFUSE GASTRIC AND LOBULAR BREAST CANCER SYNDROME. Identifiers: Orphanet 26106, MedGen C1708349, MONDO:0007648, OMIM 137215.

Allele frequency attached by ClinVar (database versions not stated): gnomAD 0.00001; ExAC 0.00002; gnomAD exomes 0.00002; TOPMed 0.00002.
gnomAD v4.1: 11 of 1,613,506 alleles (0.00068%); highest among the groups gnomAD compares: East Asian, 0.0067%; no homozygotes.

Submissions (3):

Labcorp Genetics (formerly Invitae), Labcorp
Classification: Likely benign. Last evaluated: 2025-11-04. Review status: criteria provided, single submitter. Criteria: Invitae Variant Classification Sherloc (09022015). Collection method: clinical testing. Allele origin: germline.

Myriad Genetics, Inc.
Classification: Benign for Hereditary diffuse gastric adenocarcinoma. Last evaluated: 2024-10-15. Review status: criteria provided, single submitter. Criteria: Myriad Autosomal Dominant, Autosomal Recessive and X-Linked Classification Criteria (2023). Collection method: clinical testing. Allele origin: unknown.
Comment: This variant is considered benign. This variant is a silent/synonymous amino acid change and it is not expected to impact splicing.

Ambry Genetics
Classification: Likely benign for Hereditary cancer-predisposing syndrome. Last evaluated: 2020-03-26. Review status: criteria provided, single submitter. Criteria: Ambry Variant Classification Scheme 2023. Collection method: clinical testing. Allele origin: germline.